The following is an entry in ClinVar:

ClinVar aggregate classification (germline): Pathogenic (1 of 4 stars; one submission).

Conditions:
Sulfite oxidase deficiency due to molybdenum cofactor deficiency type C. Also called: Molybdenum cofactor deficiency, complementation group C; Molybdenum cofactor deficiency C. Identifiers: Orphanet 308400, Orphanet 833, MedGen C1854990, MONDO:0014212, OMIM 615501.

Submission:

Labcorp Genetics (formerly Invitae), Labcorp
Classification: Pathogenic for Sulfite oxidase deficiency due to molybdenum cofactor deficiency type C. Last evaluated: 2023-07-25. Review status: criteria provided, single submitter. Criteria: Invitae Variant Classification Sherloc (09022015). Collection method: clinical testing. Allele origin: unknown.
Comment: For these reasons, this variant has been classified as Pathogenic. This variant has not been reported in the literature in individuals affected with GPHN-related conditions. This variant is a gross deletion of the genomic region encompassing exon(s) 9-11 of the GPHN gene. This deletion is out-of-frame, and is expected to create a premature termination codon and result in an absent or disrupted protein product. Loss-of-function variants in GPHN are known to be pathogenic (PMID: 11095995, 23184456, 23393157, 24561070, 26613940).

Literature cited by the submitters: PubMed 11095995; PubMed 23184456; PubMed 23393157; PubMed 24561070; PubMed 26613940.

NC_000014.8:g.(?_67431888)_(67525523_?)del

Gene: GPHN (gephyrin; plus strand). Cytogenetic location: 14q23.3.
Variant type: Deletion.
Identifiers: ClinVar variation 3243993 (VCV003243993.1).